The following is an entry in ClinVar:

ClinVar aggregate classification (germline): Pathogenic/Likely pathogenic. Review status: criteria provided, multiple submitters, no conflicts (2 of 4 stars). 3 submissions from 3 submitters: Pathogenic (2); Likely pathogenic (1). Last evaluated 2026-02-18.

Conditions:
Brachyolmia-amelogenesis imperfecta syndrome. Also called: PLATYSPONDYLY WITH AMELOGENESIS IMPERFECTA; Tooth agenesis, selective, 6; Dental anomalies and short stature. Identifiers: Orphanet 2899, MedGen C1832594, MONDO:0011018, OMIM 601216. Disease mechanism: loss of function.

Submissions (3):

Dasa
Classification: Likely pathogenic for Brachyolmia-amelogenesis imperfecta syndrome. Last evaluated: 2026-02-18. Review status: criteria provided, single submitter. Criteria: DASA Assertion Criteria. Collection method: clinical testing. Allele origin: germline.
Comment: NM_001130144.3(LTBP3):c.3342dup (p.Gly1115Argfs*97) is a frameshift variant in LTBP3 predicted to alter the reading frame and introduce a premature termination codon and is predicted to result in an absent or altered protein product. Loss of function is an established disease mechanism for LTBP3-associated disorders. Also, this variant is rare in population databases. Based on the currently available evidence, this variant is classified as likely pathogenic.

Labcorp Genetics (formerly Invitae), Labcorp
Classification: Pathogenic for Brachyolmia-amelogenesis imperfecta syndrome. Last evaluated: 2025-05-28. Review status: criteria provided, single submitter. Criteria: Invitae Variant Classification Sherloc (09022015). Collection method: clinical testing. Allele origin: germline.
Comment: This sequence change creates a premature translational stop signal (p.Gly1115Argfs*97) in the LTBP3 gene. It is expected to result in an absent or disrupted protein product. Loss-of-function variants in LTBP3 are known to be pathogenic (PMID: 11790802, 19344874, 25669657). This variant is present in population databases (no rsID available, gnomAD 0.007%). This variant has not been reported in the literature in individuals affected with LTBP3-related conditions. ClinVar contains an entry for this variant (Variation ID: 1351824). For these reasons, this variant has been classified as Pathogenic.

Genomic Medicine Center of Excellence, King Faisal Specialist Hospital and Research Centre
Classification: Pathogenic for Brachyolmia-amelogenesis imperfecta syndrome. Last evaluated: 2024-12-19. Review status: criteria provided, single submitter. Criteria: ACMG Guidelines, 2015. Collection method: clinical testing. Allele origin: germline.

Literature cited by the submitters: PubMed 11790802 (cited by Labcorp Genetics (formerly Invitae), Labcorp); PubMed 19344874 (cited by Labcorp Genetics (formerly Invitae), Labcorp); PubMed 25669657 (cited by Labcorp Genetics (formerly Invitae), Labcorp).

NM_001130144.3(LTBP3):c.3342dup (p.Gly1115fs)

Genes: LTBP3 (latent transforming growth factor beta binding protein 3; minus strand), LOC130006027 (ATAC-STARR-seq lymphoblastoid silent region 3530; plus strand). Cytogenetic location: 11q13.1.
Variant type: Duplication.
Coding change: c.3342dup on transcript NM_001130144.3 (MANE Select); coding-DNA position 3342, one base duplicated (C; older notation c.3342dupC).
Protein change: p.Gly1115fs; shifts the reading frame from glycine 1115.
Molecular consequence: frameshift variant. On other transcripts: intron variant (2).
Genome position (GRCh38, 1-based): chr11:65,540,056, G duplicated on the plus strand (C on the coding strand, the reverse complement: LTBP3 is on the minus strand); the first of 3 consecutive G bases (chr11:65,540,056-65,540,058); duplicating any one gives the same sequence. VCF-style (leftmost placement, unchanged base first): chr11-65540055-C-CG. GRCh37 (hg19) VCF-style: chr11-65307526-C-CG.
Other names: c.2894-175dup (NM_001164266.1); c.3245-175dup (NM_021070.4); short protein forms G1115fs.
Identifiers: ClinVar variation 1351824 (VCV001351824.9), dbSNP rs1363345814, ClinGen allele CA600226206.